The following is an entry in ClinVar:

NM_000540.3(RYR1):c.4604G>A (p.Ser1535Asn)

Gene: RYR1 (ryanodine receptor 1; plus strand). Cytogenetic location: 19q13.2.
Variant type: single nucleotide variant.
Coding change: c.4604G>A on transcript NM_000540.3 (MANE Select); coding-DNA position 4604, G replaced by A.
Protein change: p.Ser1535Asn; replaces serine 1535 with asparagine.
Molecular consequence: missense variant.
Genome position (GRCh38, 1-based): chr19:38,478,584, G>A. VCF-style: chr19-38478584-G-A. GRCh37 (hg19) VCF-style: chr19-38969224-G-A.
Other names: c.4604G>A, p.Ser1535Asn (NM_001042723.2); short protein forms S1535N.
Identifiers: ClinVar variation 3075203 (VCV003075203.1), dbSNP rs1293013820, ClinGen allele CA405648145.
Genomic context (GRCh38, chr19:38,478,584, plus strand): 5'-TTGGGTGCCTGGTGGACTTGGCCACTGGCTTAATGACCTTTACAGCCAATGGCAAAGAGA[G>A]CAACACCTTTTTCCAGGTGAGTCCAGGCCACAGCAATTTAGCGAGAGCATCATGTCCCAG-3'
Protein context (NP_000531.2, residues 1525-1545): LMTFTANGKE[Ser1535Asn]NTFFQVEPNT

ClinVar aggregate classification (germline): Uncertain significance (1 of 4 stars; one submission).

Conditions:
Malignant hyperthermia, susceptibility to, 1 (MHS1). Also called: Anesthesia related hyperthermia; Malignant hyperpyrexia; Fulminating hyperpyrexia; Pharmacogenic myopathy; RYR1-Related Malignant Hyperthermia Susceptibility; Malignant hyperthermia suceptibility 1. Identifiers: Orphanet 423, MedGen C2930980, MONDO:0007783, OMIM 145600.

Allele frequency attached by ClinVar (database versions not stated): gnomAD exomes 0.00001.
gnomAD v4.1: 14 of 1,612,822 alleles (0.00087%); highest among the groups gnomAD compares: Non-Finnish European, 0.0012%; no homozygotes.

Submission:

All of Us Research Program, National Institutes of Health
Classification: Uncertain significance for Malignant hyperthermia, susceptibility to, 1. Last evaluated: 2024-01-11. Review status: criteria provided, single submitter. Criteria: ACMG Guidelines, 2015. Collection method: clinical testing. Allele origin: germline. Inheritance: Autosomal dominant inheritance. Observed: 1 variant allele, 1 heterozygote.
Comment: This study involves interpretation of variants in research participants for the purpose of population health screening. Participant phenotype was not available at the time of variant classification. Additional details can be found in publication PMID: 35346344, PMCID: PMC8962531